The following is an entry in ClinVar:

NM_001972.4(ELANE):c.391G>A (p.Ala131Thr)

Gene: ELANE (elastase, neutrophil expressed; plus strand). Cytogenetic location: 19p13.3.
Variant type: single nucleotide variant.
Coding change: c.391G>A on transcript NM_001972.4 (MANE Select); coding-DNA position 391, G replaced by A.
Protein change: p.Ala131Thr; replaces alanine 131 with threonine.
Molecular consequence: missense variant.
Genome position (GRCh38, 1-based): chr19:855,588, G>A. VCF-style: chr19-855588-G-A. GRCh37 (hg19) VCF-style: chr19-855588-G-A.
Other names: short protein forms A131T.
Identifiers: ClinVar variation 2933528 (VCV002933528.3), dbSNP rs201729066, ClinGen allele CA9026045.

ClinVar aggregate classification (germline): Uncertain significance (1 of 4 stars; one submission).

Conditions:
Neutropenia, severe congenital, 1, autosomal dominant. Identifiers: MedGen C1859966, MONDO:0042490, OMIM 202700.
Cyclical neutropenia. Also called: Cyclic hematopoiesis; Cyclic Neutropenia. Identifiers: Orphanet 2686, MedGen C0221023, MONDO:0008090, OMIM 162800, HP:0040289. Disease mechanism: loss of function.

Allele frequency attached by ClinVar (database versions not stated): ExAC 0.00001; gnomAD exomes 0.00001.

Submission:

Labcorp Genetics (formerly Invitae), Labcorp
Classification: Uncertain significance for Neutropenia, severe congenital, 1, autosomal dominant; Cyclical neutropenia. Last evaluated: 2023-11-22. Review status: criteria provided, single submitter. Criteria: Invitae Variant Classification Sherloc (09022015). Collection method: clinical testing. Allele origin: germline.
Comment: This sequence change replaces alanine, which is neutral and non-polar, with threonine, which is neutral and polar, at codon 131 of the ELANE protein (p.Ala131Thr). This variant is present in population databases (rs201729066, gnomAD 0.006%). This missense change has been observed in individuals with ELANE-related neutropenia (PMID: 21425445, 23463630, 33179225). Advanced modeling of protein sequence and biophysical properties (such as structural, functional, and spatial information, amino acid conservation, physicochemical variation, residue mobility, and thermodynamic stability) performed at Invitae indicates that this missense variant is not expected to disrupt ELANE protein function with a negative predictive value of 80%. In summary, the available evidence is currently insufficient to determine the role of this variant in disease. Therefore, it has been classified as a Variant of Uncertain Significance.

Literature cited by the submitters: PubMed 21425445; PubMed 23463630; PubMed 33179225.